The following is an entry in ClinVar:

ClinVar aggregate classification (germline): Uncertain significance (1 of 4 stars; one submission).

Submission:

GeneDx
Classification: Uncertain significance. Last evaluated: 2024-06-07. Review status: criteria provided, single submitter. Criteria: GeneDx Variant Classification Process June 2021. Collection method: clinical testing. Allele origin: germline. Affected: yes.
Comment: Not observed at significant frequency in large population cohorts (gnomAD); In silico analysis indicates that this missense variant does not alter protein structure/function; Has not been previously published as pathogenic or benign to our knowledge

NM_001174096.2(ZEB1):c.3175A>G (p.Lys1059Glu)

Gene: ZEB1 (zinc finger E-box binding homeobox 1; plus strand). Cytogenetic location: 10p11.22.
Variant type: single nucleotide variant.
Coding change: c.3175A>G on transcript NM_001174096.2 (MANE Select); coding-DNA position 3175, A replaced by G.
Protein change: p.Lys1059Glu; replaces lysine 1059 with glutamic acid.
Molecular consequence: missense variant.
Genome position (GRCh38, 1-based): chr10:31,527,061, A>G. VCF-style: chr10-31527061-A-G. GRCh37 (hg19) VCF-style: chr10-31815989-A-G.
Other names: c.3124A>G, p.Lys1042Glu (NM_001128128.3); c.3112A>G, p.Lys1038Glu (NM_001174093.2); c.3121A>G, p.Lys1041Glu (NM_001174094.2); c.2971A>G, p.Lys991Glu (NM_001174095.2); c.2518A>G, p.Lys840Glu (NM_001323638.2, NM_001323641.2, NM_001323642.2 and 27 more transcripts); c.2950A>G, p.Lys984Glu (NM_001323674.2); c.2908A>G, p.Lys970Glu (NM_001323675.2); c.3133A>G, p.Lys1045Glu (NM_001323676.2); and 3 more; short protein forms K1038E, K1041E, K1042E, K1044E, K1045E, K1058E, K1059E, K840E.
Identifiers: ClinVar variation 3390723 (VCV003390723.1).
Genomic context (GRCh38, chr10:31,527,061, plus strand): 5'-AAAGAGGAAGAGGAGGAGGATAAAGAGATGGAAGAATTGCAGGAAGAAAAAGAATGTGAA[A>G]AACCACAAGGGGATGAGGAAGAGGAGGAGGAGGAGGAAGAAGTGGAAGAAGAAGAGGTAG-3'
Protein context (NP_001167567.1, residues 1049-1069): EELQEEKECE[Lys1059Glu]PQGDEEEEEE